The following is an entry in ClinVar:

ClinVar aggregate classification (germline): Pathogenic (1 of 4 stars; one submission).

Conditions:
Congenital myasthenic syndrome 4A. Also called: MYASTHENIC SYNDROME, CONGENITAL, 4A, SLOW-CHANNEL, AUTOSOMAL RECESSIVE; Myasthenic syndrome, congenital, 4a, slow-channel; CONGENITAL MYASTHENIC SYNDROME TYPE Ia1. Identifiers: Orphanet 590, MedGen C4225413, MONDO:0011600, OMIM 605809.

Allele frequency attached by ClinVar (database versions not stated): TOPMed below 0.00001.

Submission:

Labcorp Genetics (formerly Invitae), Labcorp
Classification: Pathogenic for Congenital myasthenic syndrome 4A. Last evaluated: 2022-08-23. Review status: criteria provided, single submitter. Criteria: Invitae Variant Classification Sherloc (09022015). Collection method: clinical testing. Allele origin: germline.
Comment: This premature translational stop signal has been observed in individual(s) with congenital myasthenic syndrome (Invitae). For these reasons, this variant has been classified as Pathogenic. This variant disrupts a region of the CHRNE protein in which other variant(s) (p.Tyr458*, p.Tyr478*) have been determined to be pathogenic (PMID: 12417530). This suggests that this is a clinically significant region of the protein, and that variants that disrupt it are likely to be disease-causing. Algorithms developed to predict the effect of sequence changes on RNA splicing suggest that this variant may disrupt the consensus splice site. ClinVar contains an entry for this variant (Variation ID: 534250). This variant is not present in population databases (gnomAD no frequency). This sequence change creates a premature translational stop signal (p.Trp460*) in the CHRNE gene. While this is not anticipated to result in nonsense mediated decay, it is expected to disrupt the last 34 amino acid(s) of the CHRNE protein.

Literature cited by the submitters: PubMed 12417530.

NM_000080.4(CHRNE):c.1380G>A (p.Trp460Ter)

Gene: CHRNE (cholinergic receptor nicotinic epsilon subunit; minus strand). Cytogenetic location: 17p13.2.
Variant type: single nucleotide variant.
Coding change: c.1380G>A on transcript NM_000080.4 (MANE Select); coding-DNA position 1380, G replaced by A.
Protein change: p.Trp460Ter; replaces tryptophan 460 with a stop codon.
Molecular consequence: nonsense.
Genome position (GRCh38, 1-based): chr17:4,898,838, C>T on the plus strand (G>A on the coding strand, the complement: CHRNE is on the minus strand). VCF-style: chr17-4898838-C-T. GRCh37 (hg19) VCF-style: chr17-4802133-C-T.
Other names: c.1380G>A, p.Trp460Ter (LRG_1254t1); short protein forms W460*.
Identifiers: ClinVar variation 534250 (VCV000534250.10), dbSNP rs1555546096, ClinGen allele CA397297687.
Genomic context (GRCh38, chr17:4,898,838, plus strand): 5'-GTTGAAGTAGGCCCCGAGGAAGATGAGGCTGGAGCCCACGCTGAAGAGCACCAGAGCGGC[C>T]CAGAAGCAGATGTTGTCAAGGGCATTCCCCATGCGCACCCAGTCGGACACTTCCTGGGGA-3'